The following is an entry in ClinVar:

ClinVar aggregate classification (germline): Uncertain significance (1 of 4 stars; one submission).

Conditions:
Dyskeratosis congenita, autosomal dominant 1 (DKCA1). Also called: Dyskeratosis congenita Scoggins type. Identifiers: Orphanet 1775, MedGen C4551974, MONDO:0007485, OMIM 127550. Inheritance: Variable.

Submission:

Labcorp Genetics (formerly Invitae), Labcorp
Classification: Uncertain significance for Dyskeratosis congenita, autosomal dominant 1. Last evaluated: 2023-03-15. Review status: criteria provided, single submitter. Criteria: Invitae Variant Classification Sherloc (09022015). Collection method: clinical testing. Allele origin: germline.
Comment: In summary, the available evidence is currently insufficient to determine the role of this variant in disease. Therefore, it has been classified as a Variant of Uncertain Significance. This variant is located within the template/pseudoknot domain of the TERC RNA component, which is required for RNA or RNP stability (PMID: 15082312, 21844345). This variant is located in a region of TERC in which a significant number of disease causing variants have been reported (PMID: 15082312, 21844345, 21931702). These observations suggest that this may be a clinically significant region. This variant occurs in the TERC gene, which encodes an RNA molecule that does not result in a protein product. This variant is not present in population databases (gnomAD no frequency). This variant has not been reported in the literature in individuals affected with TERC-related conditions.

Literature cited by the submitters: PubMed 15082312; PubMed 21844345; PubMed 21931702.

NC_000003.12:g.169765006T>C

Genes: TERC (telomerase RNA component; minus strand), LOC110806306 (telomerase RNA component (TERC) promoter; plus strand). Cytogenetic location: 3q26.2.
Variant type: single nucleotide variant.
Genome position: GRCh38 VCF-style: chr3-169765006-T-C. GRCh37 (hg19) VCF-style: chr3-169482794-T-C.
Identifiers: ClinVar variation 2846098 (VCV002846098.3), dbSNP rs1777964464, ClinGen allele CA436715938.
Genomic context (GRCh38, chr3:169,765,006, plus strand): 5'-AAAGTCAGCGAGAAAAACAGCGCGCGGGGAGCAAAAGCACGGCGCCTACGCCCTTCTCAG[T>C]TAGGGTTAGACAAAAAATGGCCACCACCCCTCCCAGGCCCACCCTCCGCAACCCGGTGCG-3'